The following is an entry in ClinVar:

NM_001004127.3(ALG11):c.325G>A (p.Gly109Ser)

Gene: ALG11 (ALG11 alpha-1,2-mannosyltransferase; plus strand). Cytogenetic location: 13q14.3.
Variant type: single nucleotide variant.
Coding change: c.325G>A on transcript NM_001004127.3 (MANE Select); coding-DNA position 325, G replaced by A.
Protein change: p.Gly109Ser; replaces glycine 109 with serine.
Molecular consequence: missense variant.
Genome position (GRCh38, 1-based): chr13:52,024,055, G>A. VCF-style: chr13-52024055-G-A. GRCh37 (hg19) VCF-style: chr13-52598191-G-A.
Other names: short protein forms G109S.
Identifiers: ClinVar variation 1415072 (VCV001415072.30), dbSNP rs765666509, ClinGen allele CA6989893.
Genomic context (GRCh38, chr13:52,024,055, plus strand): 5'-TTCTATTTTAGGTATCCTGAAGCAGTTTATGTTGTTTATACCGGCGATGTTAATGTCAAC[G>A]GTCAACAGATACTAGAAGGTGCTTTCAGAAGATTTAACATCAGATTAATTCACCCAGTGC-3'
Protein context (NP_001004127.2, residues 99-119): VVYTGDVNVN[Gly109Ser]QQILEGAFRR

ClinVar aggregate classification (germline): Uncertain significance. Review status: criteria provided, multiple submitters, no conflicts (2 of 4 stars). 2 submissions from 2 submitters: Uncertain significance (2). Last evaluated 2024-08-06.

Conditions:
ALG11-congenital disorder of glycosylation. Also called: CONGENITAL DISORDER OF GLYCOSYLATION, TYPE Ip; ALG11-CDG. Identifiers: Orphanet 280071, MedGen C3150913, MONDO:0013349, OMIM 613661.

Allele frequency attached by ClinVar (database versions not stated): gnomAD exomes 0.00001 and 0.00002; ExAC 0.00002; gnomAD 0.00003 and 0.00004; TOPMed 0.00008.

Submissions (2):

Labcorp Genetics (formerly Invitae), Labcorp
Classification: Uncertain significance for ALG11-congenital disorder of glycosylation. Last evaluated: 2024-08-06. Review status: criteria provided, single submitter. Criteria: Invitae Variant Classification Sherloc (09022015). Collection method: clinical testing. Allele origin: germline.
Comment: This sequence change replaces glycine, which is neutral and non-polar, with serine, which is neutral and polar, at codon 109 of the ALG11 protein (p.Gly109Ser). This variant is present in population databases (rs765666509, gnomAD 0.009%). This variant has not been reported in the literature in individuals affected with ALG11-related conditions. ClinVar contains an entry for this variant (Variation ID: 1415072). Advanced modeling of protein sequence and biophysical properties (such as structural, functional, and spatial information, amino acid conservation, physicochemical variation, residue mobility, and thermodynamic stability) performed at Invitae indicates that this missense variant is not expected to disrupt ALG11 protein function with a negative predictive value of 80%. In summary, the available evidence is currently insufficient to determine the role of this variant in disease. Therefore, it has been classified as a Variant of Uncertain Significance.

CeGaT Center for Human Genetics Tuebingen
Classification: Uncertain significance. Last evaluated: 2023-09-01. Review status: criteria provided, single submitter. Criteria: CeGaT Center For Human Genetics Tuebingen Variant Classification Criteria Version 2. Collection method: clinical testing. Allele origin: germline. Affected: yes. Observed: 1 variant allele.
Comment: ALG11: PM2:Supporting, BP4